The following is an entry in ClinVar:

NM_005215.4(DCC):c.2631G>A (p.Glu877=)

Gene: DCC (DCC netrin 1 receptor; plus strand). Cytogenetic location: 18q21.2.
Variant type: single nucleotide variant.
Coding change: c.2631G>A on transcript NM_005215.4 (MANE Select); coding-DNA position 2631, G replaced by A.
Protein change: p.Glu877=; no amino-acid change (glutamic acid 877 retained).
Molecular consequence: synonymous variant.
Genome position (GRCh38, 1-based): chr18:53,391,830, G>A. VCF-style: chr18-53391830-G-A. GRCh37 (hg19) VCF-style: chr18-50918200-G-A.
Identifiers: ClinVar variation 2648727 (VCV002648727.24), dbSNP rs201056341, ClinGen allele CA8967236.

ClinVar aggregate classification (germline): Likely benign (1 of 4 stars; one submission).

Allele frequency attached by ClinVar (database versions not stated): TOPMed 0.00013; 1000 Genomes Project 30x 0.00016; gnomAD 0.00019; 1000 Genomes Project 0.00020; gnomAD exomes 0.00020; ESP Exome Variant Server 0.00023; ExAC 0.00029.
gnomAD v4.1: 314 of 1,613,972 alleles (0.019%); highest among the groups gnomAD compares: Non-Finnish European, 0.022%; 1 homozygote.

Submission:

CeGaT Center for Human Genetics Tuebingen
Classification: Likely benign. Last evaluated: 2022-05-01. Review status: criteria provided, single submitter. Criteria: CeGaT Center For Human Genetics Tuebingen Variant Classification Criteria Version 2. Collection method: clinical testing. Allele origin: germline. Affected: yes. Observed: 1 variant allele.
Comment: DCC: BP4, BP7